The following is an entry in ClinVar:

NM_000489.6(ATRX):c.4786A>G (p.Met1596Val)

Gene: ATRX (ATRX chromatin remodeler; minus strand). Cytogenetic location: Xq21.1.
Variant type: single nucleotide variant.
Coding change: c.4786A>G on transcript NM_000489.6 (MANE Select); coding-DNA position 4786, A replaced by G.
Protein change: p.Met1596Val; replaces methionine 1596 with valine.
Molecular consequence: missense variant.
Genome position (GRCh38, 1-based): chrX:77,634,617, T>C on the plus strand (A>G on the coding strand, the complement: ATRX is on the minus strand). VCF-style: chrX-77634617-T-C. GRCh37 (hg19) VCF-style: chrX-76890108-T-C.
Other names: c.4672A>G, p.Met1558Val (NM_138270.5); short protein forms M1558V, M1596V.
Identifiers: ClinVar variation 4530220 (VCV004530220.1).
Genomic context (GRCh38, chrX:77,634,617, plus strand): 5'-ACAAAAACAGGATACCTTCATATTCTTCAGCTCTTACCTGTAAAGTCTTACCAAGGCCCA[T>C]ACAGTGGGCAAGAATGCATCCTGAACCTGGAGATTTCTTTGTTTTTTTCACAGACTCACA-3'
Protein context (NP_000480.3, residues 1586-1606): PGSGCILAHC[Met1596Val]GLGKTLQVVS

ClinVar aggregate classification (somatic clinical impact): Tier I - Strong (1 of 4 stars; one submission).

Conditions:
Astrocytoma IDH-mutant. Identifiers: MedGen C5669733.

Submission:

Institute for Genomic Medicine (IGM) Clinical Laboratory, Nationwide Children's Hospital
Classification: Tier I - Strong for Astrocytoma IDH-mutant. Assertion type: diagnostic. Clinical significance: supports diagnosis. Last evaluated: 2023-10-22. Review status: criteria provided, single submitter. Criteria: AMP/ASCO/CAP Guidelines, 2017. Collection method: clinical testing. Allele origin: somatic. Affected: yes.
Comment: Variant has Tier I (strong) clinical significance as a diagnostic inclusion criterion in Astrocytoma IDH-mutant, based on the following evidence: 1) Documented in one or more cancer databases (e.g., St. Jude Pecan, COSMIC, CIViC, OncoKB). 2) Appears in one or more well-established professional guidelines (e.g., World Health Organization [WHO]; National Comprehensive Cancer Network [NCCN]) as providing diagnostic, prognostic, or therapeutic information. 3) Diagnostic for a specific tumor type/classification according to professional guidelines (Evidence Level A; PMIDs: 33772213, 33692446, 30326163, 24140581, 22886134, 37185778).

Literature cited by the submitters: PubMed 33772213; PubMed 33692446; PubMed 30326163; PubMed 24140581; PubMed 22886134; PubMed 37185778.